The following is an entry in ClinVar:

ClinVar aggregate classification (germline): Conflicting classifications of pathogenicity. Review status: criteria provided, conflicting classifications (1 of 4 stars). 5 submissions from 5 submitters: Uncertain significance (3); Likely benign (2). Last evaluated 2026-01-16.

Conditions:
Inborn genetic diseases. Identifiers: MedGen C0950123, MeSH D030342.
Asphyxiating thoracic dystrophy 3. Also called: POLYDACTYLY WITH NEONATAL CHONDRODYSTROPHY, TYPE I; SHORT-RIB THORACIC DYSPLASIA 3/6 WITH POLYDACTYLY, DIGENIC; Short rib polydactyly syndrome 2B; SHORT-RIB THORACIC DYSPLASIA 3 WITH OR WITHOUT POLYDACTYLY; Saldino-Noonan Syndrome. Identifiers: Orphanet 474, Orphanet 93269, Orphanet 93270, Orphanet 93271, MedGen C0036069, MONDO:0013127, OMIM 613091.
Jeune thoracic dystrophy. Also called: Jeune syndrome; Infantile thoracic dystrophy; Thoracic pelvic phalangeal dystrophy; Jeune's syndrome; Chondroectodermal dysplasia-like syndrome; Short-rib thoracic dysplasia. Identifiers: Orphanet 474, MedGen C0265275, MONDO:0018770.

Allele frequency attached by ClinVar (database versions not stated): ExAC 0.00017; 1000 Genomes Project 0.00020; 1000 Genomes Project 30x 0.00031; ESP Exome Variant Server 0.00034; TOPMed 0.00047.
gnomAD v4.1: 152 of 1,610,366 alleles (0.0094%); highest among the groups gnomAD compares: African/African-American, 0.14%; no homozygotes.

Submissions (5):

Labcorp Genetics (formerly Invitae), Labcorp
Classification: Likely benign for Jeune thoracic dystrophy. Last evaluated: 2026-01-16. Review status: criteria provided, single submitter. Criteria: Invitae Variant Classification Sherloc (09022015). Collection method: clinical testing. Allele origin: germline.

Ambry Genetics
Classification: Uncertain significance for Inborn genetic diseases. Last evaluated: 2025-04-15. Review status: criteria provided, single submitter. Criteria: Ambry Variant Classification Scheme 2023. Collection method: clinical testing. Allele origin: germline.

GeneDx
Classification: Uncertain significance. Last evaluated: 2024-08-06. Review status: criteria provided, single submitter. Criteria: GeneDx Variant Classification Process June 2021. Collection method: clinical testing. Allele origin: germline. Affected: yes.
Comment: In silico analysis indicates that this missense variant does not alter protein structure/function; Has not been previously published as pathogenic or benign to our knowledge

Blueprint Genetics
Classification: Likely benign. Last evaluated: 2024-02-01. Review status: criteria provided, single submitter. Criteria: ACMG Guidelines, 2015. Collection method: clinical testing. Allele origin: germline.

Johns Hopkins Genomics, Johns Hopkins University
Classification: Uncertain significance for Asphyxiating thoracic dystrophy 3. Last evaluated: 2021-01-12. Review status: criteria provided, single submitter. Criteria: ACMG Guidelines, 2015. Collection method: clinical testing. Allele origin: germline.
Comment: DYNC2H1 c.554G>A has not been reported in ClinVar nor the literature, to our knowledge. This variant (rs199960819) has been identified in a large population dataset and the minor allele frequency is neither low enough to consider the variant rare (<0.1%) nor high enough to consider it a population polymorphism (>1%) within the African/African American subpopulation (gnomAD: 28/23724 alleles; 0.1%, no homozygotes). Three bioinformatic tools queried predict that this substitution would be tolerated, and the arginine residue at this position is poorly evolutionarily conserved across the species assessed. Due to insufficient evidence, we consider the clinical significance of c.554G>A to be uncertain at this time.

NM_001377.3(DYNC2H1):c.554G>A (p.Arg185His)

Gene: DYNC2H1 (dynein cytoplasmic 2 heavy chain 1; plus strand). Cytogenetic location: 11q22.3.
Variant type: single nucleotide variant.
Coding change: c.554G>A on transcript NM_001377.3 (MANE Select); coding-DNA position 554, G replaced by A.
Protein change: p.Arg185His; replaces arginine 185 with histidine.
Molecular consequence: missense variant.
Genome position (GRCh38, 1-based): chr11:103,115,228, G>A. VCF-style: chr11-103115228-G-A. GRCh37 (hg19) VCF-style: chr11-102985957-G-A.
Other names: c.554G>A, p.Arg185His (NM_001080463.2); short protein forms R185H.
Identifiers: ClinVar variation 992904 (VCV000992904.18), dbSNP rs199960819, ClinGen allele CA6252529.
Genomic context (GRCh38, chr11:103,115,228, plus strand): 5'-CTTTTATAGGTATCCTTACACCAAGCGATGAGTTCCAGTTTTGGATAGAACAAGCTCACC[G>A]TGGAAATAAACAGATTAGTAAAGAAAGAGCCAATTATTTTAAAGAATTATTTGAAACAAT-3'
Protein context (NP_001368.2, residues 175-195): EFQFWIEQAH[Arg185His]GNKQISKERA